The following is an entry in ClinVar:

NM_000152.5(GAA):c.1518C>G (p.Phe506Leu)

Gene: GAA (alpha glucosidase; plus strand). Cytogenetic location: 17q25.3.
Variant type: single nucleotide variant.
Coding change: c.1518C>G on transcript NM_000152.5 (MANE Select); coding-DNA position 1518, C replaced by G.
Protein change: p.Phe506Leu; replaces phenylalanine 506 with leucine.
Molecular consequence: missense variant.
Genome position (GRCh38, 1-based): chr17:80,110,807, C>G. VCF-style: chr17-80110807-C-G. GRCh37 (hg19) VCF-style: chr17-78084606-C-G.
Other names: c.1518C>G, p.Phe506Leu (NM_001079803.3, NM_001079804.3); short protein forms F506L.
Identifiers: ClinVar variation 1380873 (VCV001380873.5), dbSNP rs1464913441, ClinGen allele CA401367089.

ClinVar aggregate classification (germline): Uncertain significance. Review status: criteria provided, multiple submitters, no conflicts (2 of 4 stars). 2 submissions from 2 submitters: Uncertain significance (2). Last evaluated 2024-11-18.

Conditions:
Glycogen storage disease, type II (IOPD). Also called: Pompe Disease; Glycogen storage disease type 2; Acid maltase deficiency disease; Aglucosidase alfa; Deficiency of alpha-glucosidase; Deficiency of lysosomal alpha-glucosidase. Identifiers: Orphanet 365, MedGen C0017921, MONDO:0009290, OMIM 232300.

Allele frequency attached by ClinVar (database versions not stated): gnomAD exomes below 0.00001.
gnomAD v4.1: 3 of 1,614,148 alleles (0.00019%); highest among the groups gnomAD compares: Admixed American, 0.005%; no homozygotes.

Submissions (2):

Labcorp Genetics (formerly Invitae), Labcorp
Classification: Uncertain significance for Glycogen storage disease, type II. Last evaluated: 2024-11-18. Review status: criteria provided, single submitter. Criteria: Invitae Variant Classification Sherloc (09022015). Collection method: clinical testing. Allele origin: germline.
Comment: This sequence change replaces phenylalanine, which is neutral and non-polar, with leucine, which is neutral and non-polar, at codon 506 of the GAA protein (p.Phe506Leu). This variant is present in population databases (no rsID available, gnomAD 0.003%). This variant has not been reported in the literature in individuals affected with GAA-related conditions. ClinVar contains an entry for this variant (Variation ID: 1380873). Invitae Evidence Modeling of protein sequence and biophysical properties (such as structural, functional, and spatial information, amino acid conservation, physicochemical variation, residue mobility, and thermodynamic stability) indicates that this missense variant is expected to disrupt GAA protein function with a positive predictive value of 95%. In summary, the available evidence is currently insufficient to determine the role of this variant in disease. Therefore, it has been classified as a Variant of Uncertain Significance.

Revvity Omics, Revvity
Classification: Uncertain significance. Last evaluated: 2024-11-07. Review status: criteria provided, single submitter. Criteria: ACMG Guidelines, 2015. Collection method: clinical testing. Allele origin: germline.